The following is an entry in ClinVar:

ClinVar aggregate classification (germline): Conflicting classifications of pathogenicity. Review status: criteria provided, conflicting classifications (1 of 4 stars). 2 submissions from 2 submitters: Likely pathogenic (1); Uncertain significance (1). Last evaluated 2026-08-06.

Conditions:
Hereditary cancer-predisposing syndrome. Also called: Hereditary Cancer Syndrome; Neoplastic Syndromes, Hereditary; Hereditary neoplastic syndrome; Tumor predisposition. Identifiers: Orphanet 140162, MedGen C0027672, MeSH D009386, MONDO:0015356.

Submissions (2):

Ambry Genetics
Classification: Likely pathogenic for Hereditary cancer-predisposing syndrome. Last evaluated: 2026-08-06. Review status: criteria provided, single submitter. Criteria: Ambry Variant Classification Scheme 2023. Collection method: clinical testing. Allele origin: germline.
Comment: The p.P410S variant (also known as c.1228C>T), located in coding exon 8 of the FH gene, results from a C to T substitution at nucleotide position 1228. The proline at codon 410 is replaced by serine, an amino acid with similar properties. This variant was reported in individual(s) with features consistent with pheochromocytoma and paraganglioma (Ambry internal data). Based on internal structural analysis, this variant is anticipated to result in a significant decrease in structural stability (A et al. Open Biochem J, 2018 Jan;12:1-15; Ajalla Aleixo MA et al. FEBS J, 2019 May;286:1925-1940). The variant is more destabilizing than a nearby pathogenic variant. This amino acid position is highly conserved in available vertebrate species. In addition, this alteration is predicted to be deleterious by in silico analysis. This variant is considered to be rare based on population cohorts in the Genome Aggregation Database (gnomAD). Based on the majority of available evidence to date, this variant is likely to be pathogenic.

Labcorp Genetics (formerly Invitae), Labcorp
Classification: Uncertain significance. Last evaluated: 2022-11-09. Review status: criteria provided, single submitter. Criteria: Invitae Variant Classification Sherloc (09022015). Collection method: clinical testing. Allele origin: germline.
Comment: Advanced modeling of protein sequence and biophysical properties (such as structural, functional, and spatial information, amino acid conservation, physicochemical variation, residue mobility, and thermodynamic stability) performed at Invitae indicates that this missense variant is expected to disrupt FH protein function. In summary, the available evidence is currently insufficient to determine the role of this variant in disease. Therefore, it has been classified as a Variant of Uncertain Significance. ClinVar contains an entry for this variant (Variation ID: 1384961). This variant has not been reported in the literature in individuals affected with FH-related conditions. This variant is not present in population databases (gnomAD no frequency). This sequence change replaces proline, which is neutral and non-polar, with serine, which is neutral and polar, at codon 410 of the FH protein (p.Pro410Ser).

Literature cited by the submitters: PubMed 29456767 (cited by Ambry Genetics); PubMed 30761759 (cited by Ambry Genetics).

NM_000143.4(FH):c.1228C>T (p.Pro410Ser)

Gene: FH (fumarate hydratase; minus strand). Cytogenetic location: 1q43.
Variant type: single nucleotide variant.
Coding change: c.1228C>T on transcript NM_000143.4 (MANE Select); coding-DNA position 1228, C replaced by T.
Protein change: p.Pro410Ser; replaces proline 410 with serine.
Molecular consequence: missense variant.
Genome position (GRCh38, 1-based): chr1:241,502,451, G>A on the plus strand (C>T on the coding strand, the complement: FH is on the minus strand). VCF-style: chr1-241502451-G-A. GRCh37 (hg19) VCF-style: chr1-241665751-G-A.
Other names: short protein forms P410S.
Identifiers: ClinVar variation 1384961 (VCV001384961.11), dbSNP rs2147914837, ClinGen allele CA345437242.